The following is an entry in ClinVar:

ClinVar aggregate classification (germline): Uncertain significance (1 of 4 stars; one submission).

Submission:

Greenwood Genetic Center Diagnostic Laboratories, Greenwood Genetic Center
Classification: Uncertain significance. Last evaluated: 2022-12-19. Review status: criteria provided, single submitter. Criteria: ACMG Guidelines, 2015. Collection method: clinical testing. Allele origin: germline. Affected: yes.
Comment: PM2

NM_030632.3(ASXL3):c.6254C>G (p.Ser2085Cys)

Gene: ASXL3 (ASXL transcriptional regulator 3; plus strand). Cytogenetic location: 18q12.1.
Variant type: single nucleotide variant.
Coding change: c.6254C>G on transcript NM_030632.3 (MANE Select); coding-DNA position 6254, C replaced by G.
Protein change: p.Ser2085Cys; replaces serine 2085 with cysteine.
Molecular consequence: missense variant.
Genome position (GRCh38, 1-based): chr18:33,746,102, C>G. VCF-style: chr18-33746102-C-G. GRCh37 (hg19) VCF-style: chr18-31326066-C-G.
Other names: short protein forms S2085C.
Identifiers: ClinVar variation 2429041 (VCV002429041.4), dbSNP rs1599579189, ClinGen allele CA402196455.